The following is an entry in ClinVar:

ClinVar aggregate classification (germline): Uncertain significance (1 of 4 stars; one submission).

Submission:

CeGaT Center for Human Genetics Tuebingen
Classification: Uncertain significance. Last evaluated: 2026-01-01. Review status: criteria provided, single submitter. Criteria: CeGaT Center For Human Genetics Tuebingen Variant Classification Criteria Version 2. Collection method: clinical testing. Allele origin: germline. Affected: yes. Observed: 1 variant allele.
Comment: CLPB: PM2:Supporting

NM_030813.6(CLPB):c.702G>A (p.Leu234=)

Gene: CLPB (ClpB family mitochondrial disaggregase; minus strand). Cytogenetic location: 11q13.4.
Variant type: single nucleotide variant.
Coding change: c.702G>A on transcript NM_030813.6 (MANE Plus Clinical); coding-DNA position 702, G replaced by A.
Protein change: p.Leu234=; no amino-acid change (leucine 234 retained).
Molecular consequence: synonymous variant. On other transcripts: intron variant (2).
Genome position (GRCh38, 1-based): chr11:72,372,959, C>T on the plus strand (G>A on the coding strand, the complement: CLPB is on the minus strand). VCF-style: chr11-72372959-C-T. GRCh37 (hg19) VCF-style: chr11-72084003-C-T.
Other names: c.567G>A, p.Leu189= (NM_001258394.3); c.559+7322G>A (NM_001258393.3); c.646+7322G>A (NM_001258392.3).
Identifiers: ClinVar variation 4822213 (VCV004822213.4).
Genomic context (GRCh38, chr11:72,372,959, plus strand): 5'-AATATTATACAGAGCAGTTCCATTACCGCCAGCGGGGAGTCCTAGCCATCTCCTGAACTC[C>T]AGGGCACTTGTCCACTGGTTTGTGATGTGCCGGCTTGCACCGTCCTGTCCCCCATCTGAA-3'
Protein context (NP_110440.1, residues 224-244): RHITNQWTSA[Leu234=]EFRRWLGLPA